The following is an entry in ClinVar:

NM_013275.6(ANKRD11):c.7323C>T (p.Tyr2441=)

Gene: ANKRD11 (ankyrin repeat domain 11; minus strand). Cytogenetic location: 16q24.3.
Variant type: single nucleotide variant.
Coding change: c.7323C>T on transcript NM_013275.6 (MANE Select); coding-DNA position 7323, C replaced by T.
Protein change: p.Tyr2441=; no amino-acid change (tyrosine 2441 retained).
Molecular consequence: synonymous variant.
Genome position (GRCh38, 1-based): chr16:89,279,219, G>A on the plus strand (C>T on the coding strand, the complement: ANKRD11 is on the minus strand). VCF-style: chr16-89279219-G-A. GRCh37 (hg19) VCF-style: chr16-89345627-G-A.
Other names: c.7323C>T, p.Tyr2441= (NM_001256182.2, NM_001256183.2).
Identifiers: ClinVar variation 2144564 (VCV002144564.28), dbSNP rs776613041, ClinGen allele CA8241257.

ClinVar aggregate classification (germline): Likely benign. Review status: criteria provided, multiple submitters, no conflicts (2 of 4 stars). 2 submissions from 2 submitters: Likely benign (2). Last evaluated 2025-04-20.

Conditions:
KBG syndrome (KBGS). Also called: ANKRD11-Related KBG Syndrome. Identifiers: Orphanet 2332, MedGen C0220687, MONDO:0007846, OMIM 148050.

Allele frequency attached by ClinVar (database versions not stated): gnomAD exomes 0.00002; ExAC 0.00003; gnomAD 0.00003; TOPMed 0.00003.
gnomAD v4.1: 27 of 1,612,108 alleles (0.0017%); highest among the groups gnomAD compares: African/African-American, 0.008%; no homozygotes.

Submissions (2):

Labcorp Genetics (formerly Invitae), Labcorp
Classification: Likely benign for KBG syndrome. Last evaluated: 2025-04-20. Review status: criteria provided, single submitter. Criteria: Invitae Variant Classification Sherloc (09022015). Collection method: clinical testing. Allele origin: germline.

CeGaT Center for Human Genetics Tuebingen
Classification: Likely benign. Last evaluated: 2023-10-01. Review status: criteria provided, single submitter. Criteria: CeGaT Center For Human Genetics Tuebingen Variant Classification Criteria Version 2. Collection method: clinical testing. Allele origin: germline. Affected: yes. Observed: 1 variant allele.
Comment: ANKRD11: BP4, BS2